The following is an entry in ClinVar:

NM_015046.7(SETX):c.1330C>T (p.Leu444Phe)

Gene: SETX (senataxin; minus strand). Cytogenetic location: 9q34.13.
Variant type: single nucleotide variant.
Coding change: c.1330C>T on transcript NM_015046.7 (MANE Select); coding-DNA position 1330, C replaced by T.
Protein change: p.Leu444Phe; replaces leucine 444 with phenylalanine.
Molecular consequence: missense variant.
Genome position (GRCh38, 1-based): chr9:132,330,268, G>A on the plus strand (C>T on the coding strand, the complement: SETX is on the minus strand). VCF-style: chr9-132330268-G-A. GRCh37 (hg19) VCF-style: chr9-135205655-G-A.
Other names: c.1330C>T, p.Leu444Phe (NM_001351527.2, NM_001351528.2); short protein forms L444F.
Identifiers: ClinVar variation 2929817 (VCV002929817.3), dbSNP rs1190665958, ClinGen allele CA375344488.
Genomic context (GRCh38, chr9:132,330,268, plus strand): 5'-ATACCAAAATTAGAAGAAAAAATTCAGTGACTTTGTCACACACAGCATCTGTTTGGTTGA[G>A]GACTTCTTTGACTTCAGAGTACAGATGATTAACAACCTGTGCTATGTAAGCCACACCCAA-3'
Protein context (NP_055861.3, residues 434-454): NHLYSEVKEV[Leu444Phe]NQTDAVCDKV

ClinVar aggregate classification (germline): Uncertain significance (1 of 4 stars; one submission).

Conditions:
Amyotrophic lateral sclerosis type 4 (ALS4). Also called: AMYOTROPHIC LATERAL SCLEROSIS 4, JUVENILE; NEURONOPATHY, DISTAL HEREDITARY MOTOR, WITH PYRAMIDAL FEATURES. Identifiers: Orphanet 357043, MedGen C1865409, MONDO:0011223, OMIM 602433.
Spinocerebellar ataxia, autosomal recessive, with axonal neuropathy 2 (SCAN2). Also called: Ataxia with Oculomotor Apraxia; ATAXIA-OCULOMOTOR APRAXIA 2; Ataxia with Oculomotor Apraxia Type 2; Ataxia-ocular apraxia-2. Identifiers: Orphanet 64753, MedGen C1853761, MONDO:0018996, OMIM 606002.

Allele frequency attached by ClinVar (database versions not stated): gnomAD exomes below 0.00001.
gnomAD v4.1: 1 of 1,583,272 alleles (0.000063%); highest among the groups gnomAD compares: Non-Finnish European, 0.000086%; no homozygotes.

Submission:

Labcorp Genetics (formerly Invitae), Labcorp
Classification: Uncertain significance for Amyotrophic lateral sclerosis type 4; Spinocerebellar ataxia, autosomal recessive, with axonal neuropathy 2. Last evaluated: 2023-01-30. Review status: criteria provided, single submitter. Criteria: Invitae Variant Classification Sherloc (09022015). Collection method: clinical testing. Allele origin: germline.
Comment: Advanced modeling of protein sequence and biophysical properties (such as structural, functional, and spatial information, amino acid conservation, physicochemical variation, residue mobility, and thermodynamic stability) has been performed at Invitae for this missense variant, however the output from this modeling did not meet the statistical confidence thresholds required to predict the impact of this variant on SETX protein function. In summary, the available evidence is currently insufficient to determine the role of this variant in disease. Therefore, it has been classified as a Variant of Uncertain Significance. This sequence change replaces leucine, which is neutral and non-polar, with phenylalanine, which is neutral and non-polar, at codon 444 of the SETX protein (p.Leu444Phe). This variant is not present in population databases (gnomAD no frequency). This variant has not been reported in the literature in individuals affected with SETX-related conditions.